The following is an entry in ClinVar:

ClinVar aggregate classification (germline): Conflicting classifications of pathogenicity. Review status: criteria provided, conflicting classifications (1 of 4 stars). 10 submissions from 10 submitters: Uncertain significance (5); Likely benign (3). 2 of the submissions do not count toward it. Last evaluated 2026-02-03.

Conditions:
BRCA2-related cancer predisposition. Identifiers: MedGen CN377758, MONDO:0700269.
Hereditary cancer-predisposing syndrome. Also called: Neoplastic Syndromes, Hereditary; Hereditary Cancer Syndrome; Hereditary neoplastic syndrome; Tumor predisposition. Identifiers: Orphanet 140162, MedGen C0027672, MeSH D009386, MONDO:0015356.
Hereditary breast ovarian cancer syndrome. Also called: Hereditary breast and ovarian cancer syndrome; Hereditary breast and/or ovarian cancer syndrome; BRCA1- and BRCA2-Associated Hereditary Breast and Ovarian Cancer; Hereditary breast and ovarian cancer; Breast and ovarian cancer; Hereditary breast and ovarian cancer syndrome (HBOC). Identifiers: Orphanet 145, MedGen C0677776, MeSH D061325, MONDO:0003582. Disease mechanism: loss of function.
Breast-ovarian cancer, familial, susceptibility to, 2 (BROVCA2). Also called: BRCA2 Hereditary Breast and Ovarian Cancer. Identifiers: Orphanet 145, MedGen C2675520, MONDO:0012933, OMIM 612555. Disease mechanism: loss of function.

Allele frequency attached by ClinVar (database versions not stated): gnomAD 0.00001; gnomAD exomes 0.00001 and 0.00003; TOPMed 0.00001; ExAC 0.00003.
gnomAD v4.1: 9 of 1,610,388 alleles (0.00056%); highest among the groups gnomAD compares: Admixed American, 0.015%; no homozygotes.

Submissions (10):

Labcorp Genetics (formerly Invitae), Labcorp
Classification: Likely benign for Hereditary breast ovarian cancer syndrome. Last evaluated: 2026-02-03. Review status: criteria provided, single submitter. Criteria: Invitae Variant Classification Sherloc (09022015). Collection method: clinical testing. Allele origin: germline.

Quest Diagnostics Nichols Institute San Juan Capistrano
Classification: Uncertain significance. Last evaluated: 2025-04-11. Review status: criteria provided, single submitter. Criteria: Quest Diagnostics criteria. Collection method: clinical testing. Allele origin: unknown.
Comment: The BRCA2 c.2524G>C (p.Val842Leu) variant has been reported in the published literature in individuals with prostate cancer (PMID: 36922933 (2022)), and breast or ovarian cancer (PMID: 30702160 (2019)), and described to be located in a region of the BRCA2 gene that is tolerant to missense sequence changes (PMID: 31911673 (2020)). The frequency of this variant in the general population (Genome Aggregation Database) is uninformative in the assessment of its pathogenicity. Analysis of this variant using bioinformatics tools for the prediction of the effect of amino acid changes on protein structure and function yielded predictions that this variant is benign. Based on the available information, we are unable to determine the clinical significance of this variant.

All of Us Research Program, National Institutes of Health
Classification: Uncertain significance for BRCA2-related cancer predisposition. Last evaluated: 2024-03-24. Review status: criteria provided, single submitter. Criteria: ACMG Guidelines, 2015. Collection method: clinical testing. Allele origin: germline. Inheritance: Autosomal dominant inheritance. Observed: 3 variant alleles, 3 heterozygotes.
Comment: This missense variant replaces valine with leucine at codon 842 of the BRCA2 protein. Computational prediction suggests that this variant may not impact protein structure and function. To our knowledge, functional studies have not been reported for this variant. This variant has not been reported in individuals affected with BRCA2-related disorders in the literature. This variant has been identified in 7/247816 chromosomes in the general population by the Genome Aggregation Database (gnomAD). The available evidence is insufficient to determine the role of this variant in disease conclusively. Therefore, this variant is classified as a Variant of Uncertain Significance.

This study involves interpretation of variants in research participants for the purpose of population health screening. Participant phenotype was not available at the time of variant classification. Additional details can be found in publication PMID: 35346344, PMCID: PMC8962531

Color Diagnostics, LLC DBA Color Health
Classification: Uncertain significance for Hereditary cancer-predisposing syndrome. Last evaluated: 2024-02-15. Review status: criteria provided, single submitter. Criteria: ACMG Guidelines, 2015. Collection method: clinical testing. Allele origin: germline.
Comment: This missense variant replaces valine with leucine at codon 842 of the BRCA2 protein. Computational prediction suggests that this variant may not impact protein structure and function. To our knowledge, functional studies have not been reported for this variant. This variant has not been reported in individuals affected with BRCA2-related disorders in the literature. This variant has been identified in 7/247816 chromosomes in the general population by the Genome Aggregation Database (gnomAD). The available evidence is insufficient to determine the role of this variant in disease conclusively. Therefore, this variant is classified as a Variant of Uncertain Significance.

University of Washington Department of Laboratory Medicine, University of Washington
Classification: Likely benign for Hereditary cancer-predisposing syndrome. Last evaluated: 2023-03-23. Review status: criteria provided, single submitter. Criteria: Dines et al. (Genet Med. 2020). Collection method: curation. Allele origin: germline.
Comment: Missense variant in a coldspot region where missense variants are very unlikely to be pathogenic (PMID:31911673).

BRCA2 exon 11 coldspot. Reclassification based on statistical prior probability.

Ambry Genetics
Classification: Likely benign for Hereditary cancer-predisposing syndrome. Last evaluated: 2020-10-01. Review status: criteria provided, single submitter. Criteria: Ambry Variant Classification Scheme 2023. Collection method: clinical testing. Allele origin: germline.

Women's Health and Genetics/Laboratory Corporation of America, LabCorp
Classification: Uncertain significance. Last evaluated: 2018-01-15. Review status: criteria provided, single submitter. Criteria: LabCorp Variant Classification Summary - May 2015. Collection method: clinical testing. Allele origin: germline.
Comment: Variant summary: The BRCA2 c.2524G>C (p.Val842Leu) variant involves the alteration of a non-conserved nucleotide. 4/5 in silico tools predict a benign outcome for this variant. This variant was found in 7/242908 control chromosomes at a frequency of 0.0000288, which does not exceed the estimated maximal expected allele frequency of a pathogenic BRCA2 variant (0.0007503). In addition, multiple clinical diagnostic laboratories/reputable databases classified this variant as uncertain significance, while one has classified it as likely benign, without evidence to independently evaluate. The variant of interest has not, to our knowledge, been reported in affected individuals via publications nor evaluated for functional impact by in vivo/vitro studies. Because of the absence of clinical information and the lack of functional studies, the variant is classified as a variant of uncertain significance (VUS) until additional information becomes available.

Genetic Services Laboratory, University of Chicago
Classification: Uncertain significance. Last evaluated: 2017-01-12. Review status: criteria provided, single submitter. Criteria: ACMG Guidelines, 2015. Collection method: clinical testing. Allele origin: germline. Affected: no.

Institute for Biomarker Research, Medical Diagnostic Laboratories, L.L.C.
Classification: Uncertain significance for Hereditary breast ovarian cancer syndrome. Last evaluated: 2021-09-27. Review status: no assertion criteria provided. Collection method: clinical testing. Allele origin: germline. Not counted in ClinVar's aggregate classification.

Sharing Clinical Reports Project (SCRP)
Classification: Likely benign for Breast-ovarian cancer, familial 2. Last evaluated: 2010-01-30. Review status: no assertion criteria provided. Collection method: clinical testing. Allele origin: germline. Not counted in ClinVar's aggregate classification.

Literature cited by the submitters: PubMed 31911673 (cited by Quest Diagnostics Nichols Institute San Juan Capistrano); PubMed 30630528 (cited by Quest Diagnostics Nichols Institute San Juan Capistrano); PubMed 30702160 (cited by Quest Diagnostics Nichols Institute San Juan Capistrano); PubMed 36922933 (cited by Quest Diagnostics Nichols Institute San Juan Capistrano); PubMed 29884841 (cited by Ambry Genetics).

NM_000059.4(BRCA2):c.2524G>C (p.Val842Leu)

Gene: BRCA2 (BRCA2 DNA repair associated; plus strand). Cytogenetic location: 13q13.1.
Variant type: single nucleotide variant.
Coding change: c.2524G>C on transcript NM_000059.4 (MANE Select); coding-DNA position 2524, G replaced by C.
Protein change: p.Val842Leu; replaces valine 842 with leucine.
Molecular consequence: missense variant.
Genome position (GRCh38, 1-based): chr13:32,336,879, G>C. VCF-style: chr13-32336879-G-C. GRCh37 (hg19) VCF-style: chr13-32911016-G-C.
Other names: 2752G>C; short protein forms V842L.
Identifiers: ClinVar variation 142422 (VCV000142422.37), dbSNP rs587782454, ClinGen allele CA015544.
Genomic context (GRCh38, chr13:32,336,879, plus strand): 5'-TGTGCTTTAAATGAAAATTATAAAAACGTTGAGCTGTTGCCACCTGAAAAATACATGAGA[G>C]TAGCATCACCTTCAAGAAAGGTACAATTCAACCAAAACACAAATCTAAGAGTAATCCAAA-3'
Protein context (NP_000050.3, residues 832-852): ELLPPEKYMR[Val842Leu]ASPSRKVQFN